The following is an entry in ClinVar:

NM_000719.7(CACNA1C):c.5366G>C (p.Ser1789Thr)

Genes: CACNA1C (calcium voltage-gated channel subunit alpha1 C; plus strand), CACNA1C-AS1 (CACNA1C antisense RNA 1; minus strand). Cytogenetic location: 12p13.33.
Variant type: single nucleotide variant.
Coding change: c.5366G>C on transcript NM_000719.7 (MANE Select); coding-DNA position 5366, G replaced by C.
Protein change: p.Ser1789Thr; replaces serine 1789 with threonine.
Molecular consequence: missense variant.
Genome position (GRCh38, 1-based): chr12:2,679,718, G>C. VCF-style: chr12-2679718-G-C. GRCh37 (hg19) VCF-style: chr12-2788884-G-C.
Other names: c.5510G>C, p.Ser1837Thr (NM_001129827.2, NM_199460.4); c.5489G>C, p.Ser1830Thr (NM_001129829.2); c.5366G>C, p.Ser1789Thr (NM_001129830.3, NM_001129840.2, NM_001129841.2 and 4 more transcripts); c.5450G>C, p.Ser1817Thr (NM_001129831.2); c.5426G>C, p.Ser1809Thr (NM_001129832.2); c.5423G>C, p.Ser1808Thr (NM_001129833.2, NM_001129834.2, NM_001129835.2); c.5417G>C, p.Ser1806Thr (NM_001129836.2); c.5390G>C, p.Ser1797Thr (NM_001129837.2, NM_001129838.2); and 3 more; short protein forms S1778T, S1786T, S1789T, S1795T, S1797T, S1806T, S1808T, S1809T.
Identifiers: ClinVar variation 3232240 (VCV003232240.1), dbSNP rs2097027264, ClinGen allele CA383379094.

ClinVar aggregate classification (germline): Uncertain significance (1 of 4 stars; one submission).

Conditions:
Cardiovascular phenotype. Identifiers: MedGen CN230736.

Allele frequency attached by ClinVar (database versions not stated): gnomAD exomes below 0.00001; TOPMed below 0.00001.
gnomAD v4.1: 2 of 1,608,622 alleles (0.00012%); highest among the groups gnomAD compares: Non-Finnish European, 0.00017%; no homozygotes.

Submission:

Ambry Genetics
Classification: Uncertain significance for Cardiovascular phenotype. Last evaluated: 2023-02-23. Review status: criteria provided, single submitter. Criteria: Ambry Variant Classification Scheme 2023. Collection method: clinical testing. Allele origin: germline.
Comment: The p.S1789T variant (also known as c.5366G>C), located in coding exon 42 of the CACNA1C gene, results from a G to C substitution at nucleotide position 5366. The serine at codon 1789 is replaced by threonine, an amino acid with similar properties. This amino acid position is highly conserved in available vertebrate species. In addition, the in silico prediction for this alteration is inconclusive. Since supporting evidence is limited at this time, the clinical significance of this alteration remains unclear.